The following is an entry in ClinVar:

ClinVar aggregate classification (germline): Likely benign (1 of 4 stars; one submission).

Allele frequency attached by ClinVar (database versions not stated): gnomAD 0.00001; gnomAD exomes 0.00002; TOPMed 0.00002.
gnomAD v4.1: 13 of 1,540,650 alleles (0.00084%); highest among the groups gnomAD compares: Admixed American, 0.027%; no homozygotes.

Submission:

CeGaT Center for Human Genetics Tuebingen
Classification: Likely benign. Last evaluated: 2022-06-01. Review status: criteria provided, single submitter. Criteria: CeGaT Center For Human Genetics Tuebingen Variant Classification Criteria Version 2. Collection method: clinical testing. Allele origin: germline. Affected: yes. Observed: 1 variant allele.
Comment: TRIO: BP4, BP7

NM_007118.4(TRIO):c.7278G>A (p.Ser2426=)

Gene: TRIO (trio Rho guanine nucleotide exchange factor; plus strand). Cytogenetic location: 5p15.2.
Variant type: single nucleotide variant.
Coding change: c.7278G>A on transcript NM_007118.4 (MANE Select); coding-DNA position 7278, G replaced by A.
Protein change: p.Ser2426=; no amino-acid change (serine 2426 retained).
Molecular consequence: synonymous variant.
Genome position (GRCh38, 1-based): chr5:14,487,906, G>A. VCF-style: chr5-14487906-G-A. GRCh37 (hg19) VCF-style: chr5-14488015-G-A.
Identifiers: ClinVar variation 2655346 (VCV002655346.24), dbSNP rs1048959954, ClinGen allele CA114003845.